The following is an entry in ClinVar:

NM_004656.4(BAP1):c.67+6_67+7del

Gene: BAP1 (BRCA1 associated deubiquitinase 1; minus strand). Cytogenetic location: 3p21.1.
Variant type: Microsatellite.
Coding change: c.67+6_67+7del on transcript NM_004656.4 (MANE Select); bases 6 to 7 of the intron after coding-DNA position 67, 2 bases deleted (AG; older notation c.67+6_67+7delAG).
Molecular consequence: intron variant.
Genome position (GRCh38, 1-based): chr3:52,409,707-52,409,708, CT deleted on the plus strand (AG on the coding strand, the reverse complement: BAP1 is on the minus strand); deleting any 2 consecutive bases within chr3:52,409,707-52,409,710 gives the same sequence; the c. name uses the placement nearest the transcript's 3' end. VCF-style (leftmost placement, unchanged base first): chr3-52409706-GCT-G. GRCh37 (hg19) VCF-style: chr3-52443722-GCT-G.
Identifiers: ClinVar variation 1039437 (VCV001039437.6), dbSNP rs771588635, ClinGen allele CA2437228.

ClinVar aggregate classification (germline): Likely benign. Review status: criteria provided, multiple submitters, no conflicts (2 of 4 stars). 2 submissions from 2 submitters: Likely benign (2). Last evaluated 2024-11-26.

Conditions:
BAP1-related tumor predisposition syndrome (TPDS1). Also called: BAP1 tumor predisposition syndrome; Tumor susceptibility linked to germline BAP1 mutations; COMMON Syndrome; TUMOR PREDISPOSITION SYNDROME 1. Identifiers: Orphanet 289539, MedGen C3280492, MONDO:0013692, OMIM 614327.

Submissions (2):

Labcorp Genetics (formerly Invitae), Labcorp
Classification: Likely benign for BAP1-related tumor predisposition syndrome. Last evaluated: 2024-11-26. Review status: criteria provided, single submitter. Criteria: Invitae Variant Classification Sherloc (09022015). Collection method: clinical testing. Allele origin: germline.

Myriad Genetics, Inc.
Classification: Likely benign for BAP1-related tumor predisposition syndrome. Last evaluated: 2024-07-11. Review status: criteria provided, single submitter. Criteria: Myriad Autosomal Dominant, Autosomal Recessive and X-Linked Classification Criteria (2023). Collection method: clinical testing. Allele origin: unknown.
Comment: This variant is considered likely benign. This variant is intronic and is not expected to impact mRNA splicing. This variant has been observed at a population frequency that is significantly greater than expected given the associated disease prevalence and penetrance.